The following is an entry in ClinVar:

NM_004082.5(DCTN1):c.2964T>G (p.Asp988Glu)

Gene: DCTN1 (dynactin subunit 1; minus strand). Cytogenetic location: 2p13.1.
Variant type: single nucleotide variant.
Coding change: c.2964T>G on transcript NM_004082.5 (MANE Select); coding-DNA position 2964, T replaced by G.
Protein change: p.Asp988Glu; replaces aspartic acid 988 with glutamic acid.
Molecular consequence: missense variant. On other transcripts: non-coding transcript variant (1).
Genome position (GRCh38, 1-based): chr2:74,365,580, A>C on the plus strand (T>G on the coding strand, the complement: DCTN1 is on the minus strand). VCF-style: chr2-74365580-A-C. GRCh37 (hg19) VCF-style: chr2-74592707-A-C.
Other names: c.2904T>G, p.Asp968Glu (NM_001135040.3); c.2562T>G, p.Asp854Glu (NM_001135041.3, NM_023019.4); c.2853T>G, p.Asp951Glu (NM_001190836.2); c.2943T>G, p.Asp981Glu (NM_001190837.2); c.2913T>G, p.Asp971Glu (NM_001378991.1); c.2895T>G, p.Asp965Glu (NM_001378992.1); short protein forms D951E, D988E, D854E, D965E, D968E, D971E, D981E.
Identifiers: ClinVar variation 2921417 (VCV002921417.3), dbSNP rs1674344495, ClinGen allele CA347341568.

ClinVar aggregate classification (germline): Uncertain significance (1 of 4 stars; one submission).

Conditions:
Amyotrophic lateral sclerosis type 1 (ALS1). Also called: AMYOTROPHIC LATERAL SCLEROSIS 1, FAMILIAL. Identifiers: Orphanet 803, MedGen C1862939, MONDO:0007103, OMIM 105400.
Neuronopathy, distal hereditary motor, type 7B. Also called: Distal Hereditary Motor Neuronopathy Type 7B (dHMN7B); HMN VIIB; LOWER MOTOR NEURON DISEASE, DYNACTIN TYPE; NEURONOPATHY, DISTAL HEREDITARY MOTOR, AUTOSOMAL DOMINANT 14; NEURONOPATHY, DISTAL HEREDITARY MOTOR, HARDING TYPE VIIB; NEUROPATHY, DISTAL HEREDITARY MOTOR, HARDING TYPE VIIB. Identifiers: Orphanet 139589, MedGen C1843315, MONDO:0011879, OMIM 607641.
Perry syndrome. Also called: PARKINSONISM WITH ALVEOLAR HYPOVENTILATION AND MENTAL DEPRESSION. Identifiers: Orphanet 178509, MedGen C1868594, MONDO:0008201, OMIM 168605.

Submission:

Labcorp Genetics (formerly Invitae), Labcorp
Classification: Uncertain significance for Amyotrophic lateral sclerosis type 1; Neuronopathy, distal hereditary motor, type 7B; Perry syndrome. Last evaluated: 2023-12-14. Review status: criteria provided, single submitter. Criteria: Invitae Variant Classification Sherloc (09022015). Collection method: clinical testing. Allele origin: germline.
Comment: This sequence change replaces aspartic acid, which is acidic and polar, with glutamic acid, which is acidic and polar, at codon 988 of the DCTN1 protein (p.Asp988Glu). This variant is not present in population databases (gnomAD no frequency). This variant has not been reported in the literature in individuals affected with DCTN1-related conditions. Advanced modeling of protein sequence and biophysical properties (such as structural, functional, and spatial information, amino acid conservation, physicochemical variation, residue mobility, and thermodynamic stability) performed at Invitae indicates that this missense variant is not expected to disrupt DCTN1 protein function with a negative predictive value of 80%. In summary, the available evidence is currently insufficient to determine the role of this variant in disease. Therefore, it has been classified as a Variant of Uncertain Significance.